The following is an entry in ClinVar:

ClinVar aggregate classification (germline): Uncertain significance (1 of 4 stars; one submission).

Conditions:
Malignant hyperthermia, susceptibility to, 1 (MHS1). Also called: RYR1-Related Malignant Hyperthermia Susceptibility; Malignant hyperthermia suceptibility 1; Anesthesia related hyperthermia; Malignant hyperpyrexia; Fulminating hyperpyrexia; Pharmacogenic myopathy. Identifiers: Orphanet 423, MedGen C2930980, MONDO:0007783, OMIM 145600.

Submission:

Color Diagnostics, LLC DBA Color Health
Classification: Uncertain significance for Malignant hyperthermia, susceptibility to, 1. Last evaluated: 2023-11-01. Review status: criteria provided, single submitter. Criteria: ACMG Guidelines, 2015. Collection method: clinical testing. Allele origin: germline.
Comment: This missense variant replaces aspartic acid with alanine at codon 600 of the RYR1 protein. Computational prediction suggests that this variant may have deleterious impact on protein structure and function (internally defined REVEL score threshold >= 0.7, PMID: 27666373). To our knowledge, functional studies have not been reported for this variant. This variant has not been reported in individuals affected with RYR1-related disorders in the literature. This variant has not been identified in the general population by the Genome Aggregation Database (gnomAD). The available evidence is insufficient to determine the role of this variant in disease conclusively. Therefore, this variant is classified as a Variant of Uncertain Significance.

NM_000540.3(RYR1):c.1799A>C (p.Asp600Ala)

Gene: RYR1 (ryanodine receptor 1; plus strand). Cytogenetic location: 19q13.2.
Variant type: single nucleotide variant.
Coding change: c.1799A>C on transcript NM_000540.3 (MANE Select); coding-DNA position 1799, A replaced by C.
Protein change: p.Asp600Ala; replaces aspartic acid 600 with alanine.
Molecular consequence: missense variant.
Genome position (GRCh38, 1-based): chr19:38,457,504, A>C. VCF-style: chr19-38457504-A-C. GRCh37 (hg19) VCF-style: chr19-38948144-A-C.
Other names: c.1799A>C, p.Asp600Ala (NM_001042723.2); short protein forms D600A.
Identifiers: ClinVar variation 3894406 (VCV003894406.1).